The following is an entry in ClinVar:

ClinVar aggregate classification (germline): Uncertain significance (1 of 4 stars; one submission).

Conditions:
Inborn genetic diseases. Identifiers: MedGen C0950123, MeSH D030342.

Submission:

Ambry Genetics
Classification: Uncertain significance for Inborn genetic diseases. Last evaluated: 2026-09-08. Review status: criteria provided, single submitter. Criteria: Ambry Variant Classification Scheme 2023. Collection method: clinical testing. Allele origin: germline.
Comment: The p.L1419R variant (also known as c.4256T>G), located in coding exon 1 of the SAMD9L gene, results from a T to G substitution at nucleotide position 4256. The leucine at codon 1419 is replaced by arginine, an amino acid with dissimilar properties. This amino acid position is conserved. In addition, this alteration is predicted to be tolerated by in silico analysis. Based on the available evidence, the clinical significance of this variant remains unclear.

NM_152703.5(SAMD9L):c.4256T>G (p.Leu1419Arg)

Gene: SAMD9L (sterile alpha motif domain containing 9 like; minus strand). Cytogenetic location: 7q21.2.
Variant type: single nucleotide variant.
Coding change: c.4256T>G on transcript NM_152703.5 (MANE Select); coding-DNA position 4256, T replaced by G.
Protein change: p.Leu1419Arg; replaces leucine 1419 with arginine.
Molecular consequence: missense variant.
Genome position (GRCh38, 1-based): chr7:93,131,716, A>C on the plus strand (T>G on the coding strand, the complement: SAMD9L is on the minus strand). VCF-style: chr7-93131716-A-C. GRCh37 (hg19) VCF-style: chr7-92761029-A-C.
Other names: c.4256T>G, p.Leu1419Arg (NM_001303496.3, NM_001303497.3, NM_001303498.3 and 5 more transcripts); short protein forms L1419R.
Identifiers: ClinVar variation 5028991 (VCV005028991.1).
Genomic context (GRCh38, chr7:93,131,716, plus strand): 5'-TGATTTTCTGGCCAGAACAGGAGGCAGGCCAAGAAATAAGGACCTGGATATTGATGACTT[A>C]GTCCTACAAATTGCAAGACCTCTCGGAGTTGTTTTTTTAGCGTGGTAAGTGGTTGAATTA-3'
Protein context (NP_689916.2, residues 1409-1429): QLREVLQFVG[Leu1419Arg]SHQYPGPYFL